The following is an entry in ClinVar:

ClinVar aggregate classification (germline): Uncertain significance (1 of 4 stars; one submission).

Submission:

Athena Diagnostics
Classification: Uncertain significance. Last evaluated: 2023-11-06. Review status: criteria provided, single submitter. Criteria: Athena Diagnostics Criteria. Collection method: clinical testing. Allele origin: unknown.
Comment: Available data are insufficient to determine the clinical significance of the variant at this time. The frequency of this variant in the general population is uninformative in assessment of its pathogenicity. Computational tools disagree on the variant's effect on normal protein function.

NM_001267550.2(TTN):c.94009G>A (p.Gly31337Arg)

Genes: TTN (titin; minus strand), TTN-AS1 (TTN antisense RNA 1; plus strand). Cytogenetic location: 2q31.2.
Variant type: single nucleotide variant.
Coding change: c.94009G>A on transcript NM_001267550.2 (MANE Select); coding-DNA position 94009, G replaced by A.
Protein change: p.Gly31337Arg; replaces glycine 31337 with arginine.
Molecular consequence: missense variant.
Genome position (GRCh38, 1-based): chr2:178,547,617, C>T on the plus strand (G>A on the coding strand, the complement: TTN is on the minus strand). VCF-style: chr2-178547617-C-T. GRCh37 (hg19) VCF-style: chr2-179412344-C-T.
Other names: c.89086G>A, p.Gly29696Arg (NM_001256850.1); c.66814G>A, p.Gly22272Arg (NM_003319.4); c.86305G>A, p.Gly28769Arg (NM_133378.4); c.67189G>A, p.Gly22397Arg (NM_133432.3); c.67390G>A, p.Gly22464Arg (NM_133437.4); short protein forms G22464R, G22272R, G22397R, G28769R, G31337R, G29696R.
Identifiers: ClinVar variation 3571907 (VCV003571907.1).